The following is an entry in ClinVar:

ClinVar aggregate classification (germline): Conflicting classifications of pathogenicity. Review status: criteria provided, conflicting classifications (1 of 4 stars). 7 submissions from 7 submitters: Uncertain significance (5); Likely benign (2). Last evaluated 2026-01-19.

Conditions:
Cardiovascular phenotype. Identifiers: MedGen CN230736.
Hypercholesterolemia, autosomal dominant, type B (FHCL2). Also called: HYPERCHOLESTEROLEMIA, FAMILIAL, DUE TO LIGAND-DEFECTIVE APOLIPOPROTEIN B; Familial Hypercholesterolemia Type B; APOLIPOPROTEIN B-100, FAMILIAL DEFECTIVE; APOLIPOPROTEIN B-100, FAMILIAL LIGAND-DEFECTIVE; Familial hypercholesterolemia 2; APOB-Related Familial Hypercholesterolemia, Autosomal Dominant. Identifiers: MedGen C1704417, MONDO:0007751, OMIM 144010.
Familial hypobetalipoproteinemia 1. Also called: APOB-Related Familial Hypobetalipoproteinemia; Hypobetalipoproteinemia, normotriglyceridemic; Acanthocytosis with hypobetalipoproteinemia. Identifiers: MedGen C4551990, MONDO:0014252, OMIM 615558.
Hypercholesterolemia, familial, 1. Also called: LDL RECEPTOR DISORDER; Hyperlipoproteinemia Type IIa; HYPER-LOW-DENSITY-LIPOPROTEINEMIA; HYPERCHOLESTEROLEMIC XANTHOMATOSIS, FAMILIAL; Fredrickson type IIa hyperlipoproteinemia; Hyperlipoproteinemia type 2. Identifiers: Orphanet 391665, MedGen C0745103, MONDO:0007750, OMIM 143890.

Allele frequency attached by ClinVar (database versions not stated): ExAC 0.00013; ESP Exome Variant Server 0.00015; gnomAD exomes 0.00016 and 0.00035; TOPMed 0.00017; gnomAD 0.00018 and 0.00019.
gnomAD v4.1: 545 of 1,614,058 alleles (0.034%); highest among the groups gnomAD compares: Non-Finnish European, 0.04%; no homozygotes.

Submissions (7):

Labcorp Genetics (formerly Invitae), Labcorp
Classification: Likely benign for Familial hypobetalipoproteinemia 1; Hypercholesterolemia, autosomal dominant, type B. Last evaluated: 2026-01-19. Review status: criteria provided, single submitter. Criteria: Invitae Variant Classification Sherloc (09022015). Collection method: clinical testing. Allele origin: germline.

Ambry Genetics
Classification: Likely benign for Cardiovascular phenotype. Last evaluated: 2023-03-03. Review status: criteria provided, single submitter. Criteria: Ambry Variant Classification Scheme 2023. Collection method: clinical testing. Allele origin: germline.

Mayo Clinic Laboratories, Mayo Clinic
Classification: Uncertain significance. Last evaluated: 2022-04-28. Review status: criteria provided, single submitter. Criteria: ACMG Guidelines, 2015. Collection method: clinical testing. Allele origin: germline. Observed: 1 variant allele.
Comment: BP4

GeneDx
Classification: Uncertain significance. Last evaluated: 2022-01-03. Review status: criteria provided, single submitter. Criteria: GeneDx Variant Classification Process June 2021. Collection method: clinical testing. Allele origin: germline. Affected: yes.
Comment: Reported in a patient with combined hyperlipidemia (Gill et al., 2021); however, specific clinical information was not provided; In silico analysis supports that this missense variant has a deleterious effect on protein structure/function; This variant is associated with the following publications: (PMID: 33303402)

Department of Pathology and Laboratory Medicine, Sinai Health System
Classification: Uncertain significance for hypercholesterolemia, autosomal dominant, type B. Last evaluated: 2021-07-30. Review status: criteria provided, single submitter. Criteria: ACMG Guidelines, 2015. Collection method: research. Allele origin: germline.

Quest Diagnostics Nichols Institute San Juan Capistrano
Classification: Uncertain significance. Last evaluated: 2020-01-14. Review status: criteria provided, single submitter. Criteria: Quest Diagnostics criteria. Collection method: clinical testing. Allele origin: unknown.

Robarts Research Institute, Western University
Classification: Uncertain significance for Hypercholesterolemia, familial, 1. Last evaluated: 2018-01-02. Review status: criteria provided, single submitter. Criteria: ACMG Guidelines, 2015. Collection method: clinical testing. Allele origin: germline. Inheritance: Autosomal dominant inheritance. Affected: yes.

Literature cited by the submitters: PubMed 33303402 (cited by Ambry Genetics).

NM_000384.3(APOB):c.4532C>T (p.Thr1511Ile)

Gene: APOB (apolipoprotein B; minus strand). Cytogenetic location: 2p24.1.
Variant type: single nucleotide variant.
Coding change: c.4532C>T on transcript NM_000384.3 (MANE Select); coding-DNA position 4532, C replaced by T.
Protein change: p.Thr1511Ile; replaces threonine 1511 with isoleucine.
Molecular consequence: missense variant.
Genome position (GRCh38, 1-based): chr2:21,012,336, G>A on the plus strand (C>T on the coding strand, the complement: APOB is on the minus strand). VCF-style: chr2-21012336-G-A. GRCh37 (hg19) VCF-style: chr2-21235208-G-A.
Other names: p.Thr1511Ile; short protein forms T1511I.
Identifiers: ClinVar variation 450695 (VCV000450695.58), dbSNP rs146247063, ClinGen allele CA061090.